The following is an entry in ClinVar:

NM_173477.5(USH1G):c.145C>A (p.Arg49Ser)

Gene: USH1G (USH1 protein network component sans; minus strand). Cytogenetic location: 17q25.1.
Variant type: single nucleotide variant.
Coding change: c.145C>A on transcript NM_173477.5 (MANE Select); coding-DNA position 145, C replaced by A.
Protein change: p.Arg49Ser; replaces arginine 49 with serine.
Molecular consequence: missense variant. On other transcripts: 5 prime UTR variant (1).
Genome position (GRCh38, 1-based): chr17:74,922,929, G>T on the plus strand (C>A on the coding strand, the complement: USH1G is on the minus strand). VCF-style: chr17-74922929-G-T. GRCh37 (hg19) VCF-style: chr17-72919024-G-T.
Other names: c.-112C>A (NM_001282489.3); short protein forms R49S.
Identifiers: ClinVar variation 1402764 (VCV001402764.4), dbSNP rs769657993, ClinGen allele CA293990705.

ClinVar aggregate classification (germline): Uncertain significance (1 of 4 stars; one submission).

gnomAD v4.1: 7 of 1,547,276 alleles (0.00045%); highest among the groups gnomAD compares: African/African-American, 0.0055%; no homozygotes.

Submission:

Labcorp Genetics (formerly Invitae), Labcorp
Classification: Uncertain significance. Last evaluated: 2022-10-25. Review status: criteria provided, single submitter. Criteria: Invitae Variant Classification Sherloc (09022015). Collection method: clinical testing. Allele origin: germline.
Comment: In summary, the available evidence is currently insufficient to determine the role of this variant in disease. Therefore, it has been classified as a Variant of Uncertain Significance. Advanced modeling of protein sequence and biophysical properties (such as structural, functional, and spatial information, amino acid conservation, physicochemical variation, residue mobility, and thermodynamic stability) performed at Invitae indicates that this missense variant is expected to disrupt USH1G protein function. ClinVar contains an entry for this variant (Variation ID: 1402764). This variant has not been reported in the literature in individuals affected with USH1G-related conditions. The frequency data for this variant in the population databases is considered unreliable, as metrics indicate poor data quality at this position in the gnomAD database. This sequence change replaces arginine, which is basic and polar, with serine, which is neutral and polar, at codon 49 of the USH1G protein (p.Arg49Ser).